The following is an entry in ClinVar:

ClinVar aggregate classification (germline): Uncertain significance. Review status: criteria provided, multiple submitters, no conflicts (2 of 4 stars). 3 submissions from 3 submitters: Uncertain significance (3). Last evaluated 2025-12-28.

Conditions:
Hereditary nonpolyposis colorectal neoplasms. Identifiers: MedGen C0009405, MeSH D003123.
Hereditary cancer-predisposing syndrome. Also called: Hereditary Cancer Syndrome; Neoplastic Syndromes, Hereditary; Tumor predisposition; Hereditary neoplastic syndrome. Identifiers: Orphanet 140162, MedGen C0027672, MeSH D009386, MONDO:0015356.

Submissions (3):

Ambry Genetics
Classification: Uncertain significance for Hereditary cancer-predisposing syndrome. Last evaluated: 2025-12-28. Review status: criteria provided, single submitter. Criteria: Ambry Variant Classification Scheme 2023. Collection method: clinical testing. Allele origin: germline.
Comment: The p.V754L variant (also known as c.2260G>C), located in coding exon 13 of the PMS2 gene, results from a G to C substitution at nucleotide position 2260. The valine at codon 754 is replaced by leucine, an amino acid with highly similar properties. This amino acid position is conserved. In addition, this alteration is predicted to be tolerated by in silico analysis. Based on the available evidence, the clinical significance of this variant remains unclear.

Color Diagnostics, LLC DBA Color Health
Classification: Uncertain significance for Hereditary cancer-predisposing syndrome. Last evaluated: 2024-03-06. Review status: criteria provided, single submitter. Criteria: ACMG Guidelines, 2015. Collection method: clinical testing. Allele origin: germline.
Comment: This missense variant replaces valine with leucine at codon 754 of the PMS2 protein. Computational prediction suggests that this variant may not impact protein structure and function (internally defined REVEL score threshold <= 0.5, PMID: 27666373). To our knowledge, functional studies have not been reported for this variant. This variant has not been reported in individuals affected with hereditary cancer in the literature. This variant has not been identified in the general population by the Genome Aggregation Database (gnomAD). The available evidence is insufficient to determine the role of this variant in disease conclusively. Therefore, this variant is classified as a Variant of Uncertain Significance.

Labcorp Genetics (formerly Invitae), Labcorp
Classification: Uncertain significance for Hereditary nonpolyposis colorectal neoplasms. Last evaluated: 2022-12-04. Review status: criteria provided, single submitter. Criteria: Invitae Variant Classification Sherloc (09022015). Collection method: clinical testing. Allele origin: germline.
Comment: In summary, the available evidence is currently insufficient to determine the role of this variant in disease. Therefore, it has been classified as a Variant of Uncertain Significance. Advanced modeling of protein sequence and biophysical properties (such as structural, functional, and spatial information, amino acid conservation, physicochemical variation, residue mobility, and thermodynamic stability) performed at Invitae indicates that this missense variant is not expected to disrupt PMS2 protein function. ClinVar contains an entry for this variant (Variation ID: 1020498). This variant has not been reported in the literature in individuals affected with PMS2-related conditions. The frequency data for this variant in the population databases (gnomAD) is considered unreliable due to the presence of homologous sequence, such as pseudogenes or paralogs, in the genome. This sequence change replaces valine, which is neutral and non-polar, with leucine, which is neutral and non-polar, at codon 754 of the PMS2 protein (p.Val754Leu).

NM_000535.7(PMS2):c.2260G>C (p.Val754Leu)

Gene: PMS2 (PMS1 homolog 2, mismatch repair system component; minus strand). Cytogenetic location: 7p22.1.
Variant type: single nucleotide variant.
Coding change: c.2260G>C on transcript NM_000535.7 (MANE Select); coding-DNA position 2260, G replaced by C.
Protein change: p.Val754Leu; replaces valine 754 with leucine.
Molecular consequence: missense variant. On other transcripts: non-coding transcript variant (1).
Genome position (GRCh38, 1-based): chr7:5,978,611, C>G on the plus strand (G>C on the coding strand, the complement: PMS2 is on the minus strand). VCF-style: chr7-5978611-C-G. GRCh37 (hg19) VCF-style: chr7-6018242-C-G.
Other names: c.1855G>C, p.Val619Leu (NM_001322003.2, NM_001322004.2, NM_001322005.2 and 1 more transcripts); c.2104G>C, p.Val702Leu (NM_001322006.2); c.1942G>C, p.Val648Leu (NM_001322007.2, NM_001322008.2); c.1699G>C, p.Val567Leu (NM_001322010.2); c.1327G>C, p.Val443Leu (NM_001322011.2, NM_001322012.2); c.1687G>C, p.Val563Leu (NM_001322013.2); c.2260G>C, p.Val754Leu (NM_001322014.2); c.1951G>C, p.Val651Leu (NM_001322015.2); and 1 more; short protein forms V443L, V563L, V567L, V619L, V648L, V651L, V702L, V754L.
Identifiers: ClinVar variation 1020498 (VCV001020498.10), dbSNP rs876658822, ClinGen allele CA366736485.